The following is an entry in ClinVar:

ClinVar aggregate classification (germline): Uncertain significance. Review status: criteria provided, multiple submitters, no conflicts (2 of 4 stars). 4 submissions from 4 submitters: Uncertain significance (4). Last evaluated 2026-04-03.

Conditions:
Glucocorticoid deficiency 5. Identifiers: MedGen C4540522, MONDO:0040502, OMIM 617825.
Cardiovascular phenotype. Identifiers: MedGen CN230736.
Primary dilated cardiomyopathy (DCM). Also called: Dilated Cardiomyopathy. Identifiers: Orphanet 217604, MedGen C0007193, MeSH D002311, MONDO:0005021, HP:0001644. Inheritance: Various modes of inheritance.

Allele frequency attached by ClinVar (database versions not stated): gnomAD exomes 0.00001 and 0.00002; ExAC 0.00002.

Submissions (4):

Ambry Genetics
Classification: Uncertain significance for Cardiovascular phenotype. Last evaluated: 2026-04-03. Review status: criteria provided, single submitter. Criteria: Ambry Variant Classification Scheme 2023. Collection method: clinical testing. Allele origin: germline.
Comment: The c.417delG variant, located in coding exon 5 of the TXNRD2 gene, results from a deletion of one nucleotide at nucleotide position 417, causing a translational frameshift with a predicted alternate stop codon (p.N140Tfs*75). This variant is expected to result in protein truncation or nonsense-mediated mRNA decay. However, loss of function has not been established as a mechanism of disease. Based on the available evidence, the clinical significance of this variant remains unclear.

Labcorp Genetics (formerly Invitae), Labcorp
Classification: Uncertain significance for Primary dilated cardiomyopathy. Last evaluated: 2023-08-23. Review status: criteria provided, single submitter. Criteria: Invitae Variant Classification Sherloc (09022015). Collection method: clinical testing. Allele origin: germline.
Comment: In summary, the available evidence is currently insufficient to determine the role of this variant in disease. Therefore, it has been classified as a Variant of Uncertain Significance. ClinVar contains an entry for this variant (Variation ID: 451945). This variant has not been reported in the literature in individuals affected with TXNRD2-related conditions. This variant is present in population databases (rs780054798, gnomAD 0.01%). This sequence change creates a premature translational stop signal (p.Asn140Thrfs*75) in the TXNRD2 gene. It is expected to result in an absent or disrupted protein product. However, the current clinical and genetic evidence is not sufficient to establish whether loss-of-function variants in TXNRD2 cause disease.

Center for Genomics, Ann and Robert H. Lurie Children's Hospital of Chicago
Classification: Uncertain significance for Glucocorticoid deficiency 5. Last evaluated: 2021-03-30. Review status: criteria provided, single submitter. Criteria: ACMG Guidelines, 2015. Collection method: clinical testing. Allele origin: germline.
Comment: TXNRD2 NM_006440.4 exon5 p.Asn140Thrfs*75 (c.417delG): This variant has not been reported in the literature but is present in 0.01% (4/34526) of Latino alleles in the Genome Aggregation Database. This variant is present in ClinVar (Variation ID:451945). Evolutionary conservation and computational predictive tools for this variant are limited or unavailable. This variant is a deletion of one nucleotide and creates a premature stop codon 75 amino acids downstream from this location, which results in an absent or abnormal protein. However, there is insufficient evidence to establish loss of function (LOF) as a known mechanism of disease for this gene. In summary, data on this variant is insufficient for disease classification. Therefore, the clinical significance of this variant is uncertain.

GeneDx
Classification: Uncertain significance. Last evaluated: 2019-12-12. Review status: criteria provided, single submitter. Criteria: GeneDx Variant Classification Process June 2021. Collection method: clinical testing. Allele origin: germline. Affected: yes.
Comment: Has not been previously published as pathogenic or benign to our knowledge; Frameshift variant predicted to result in protein truncation or nonsense mediated decay in a gene for which loss-of-function is not a known mechanism of disease

NM_006440.5(TXNRD2):c.417del (p.Asn140fs)

Gene: TXNRD2 (thioredoxin reductase 2; minus strand). Cytogenetic location: 22q11.21.
Variant type: Deletion.
Coding change: c.417del on transcript NM_006440.5 (MANE Select); coding-DNA position 417, one base deleted (G; older notation c.417delG).
Protein change: p.Asn140fs; shifts the reading frame from asparagine 140.
Molecular consequence: frameshift variant. On other transcripts: non-coding transcript variant (1).
Genome position (GRCh38, 1-based): chr22:19,918,175, C deleted on the plus strand (G on the coding strand, the reverse complement: TXNRD2 is on the minus strand). VCF-style (leftmost placement, unchanged base first): chr22-19918174-TC-T. GRCh37 (hg19) VCF-style: chr22-19905697-TC-T.
Other names: c.417delG (NM_006440.3); c.417del, p.Asn140fs (NM_001282512.3); c.414del, p.Asn139fs (NM_001352300.2); c.327del, p.Asn110fs (NM_001352301.2); c.129del, p.Asn44fs (NM_001352302.2); c.321del, p.Asn108fs (NM_001352303.2); short protein forms N110fs, N108fs, N139fs, N140fs, N44fs.
Identifiers: ClinVar variation 451945 (VCV000451945.12), dbSNP rs780054798, ClinGen allele CA10104214.
Genomic context (GRCh38, chr22:19,918,174, plus strand): 5'-CGGCCCATTCCCGGAGAGAGCTTCAGTACCTGTCCTGAAGCTGGACACGGTGGCCCCAGT[TC>T]AAGGATTTCACGTGATTTTGAACAGCTTCTGCCATCTTCCTCCTGTGAAGATACGAAACA-3'